The following is an entry in ClinVar:

NM_138477.4(CDAN1):c.3451-10T>G

Gene: CDAN1 (codanin 1; minus strand). Cytogenetic location: 15q15.2.
Variant type: single nucleotide variant.
Coding change: c.3451-10T>G on transcript NM_138477.4 (MANE Select); 10 bases into the intron before coding-DNA position 3451, T replaced by G.
Molecular consequence: intron variant.
Genome position (GRCh38, 1-based): chr15:42,725,261, A>C on the plus strand (T>G on the coding strand, the complement: CDAN1 is on the minus strand). VCF-style: chr15-42725261-A-C. GRCh37 (hg19) VCF-style: chr15-43017459-A-C.
Identifiers: ClinVar variation 3347335 (VCV003347335.1).
Genomic context (GRCh38, chr15:42,725,261, plus strand): 5'-CATCAGACCCTTCTCCACCAGCTCCCGTAGCAAGAATAGCAGCAAGTCCCACTGCAAAAC[A>C]CACCGAGGTCAGGGTTGCTAGGAGGACGACAGAGTGACCCTGATGACAGAGATTGAGATC-3'

ClinVar aggregate classification (germline): Uncertain significance (0 of 4 stars; one submission).

Conditions:
CDAN1-related disorder. Also called: CDAN1-related condition.

gnomAD v4.1: 4 of 1,612,702 alleles (0.00025%); highest among the groups gnomAD compares: Non-Finnish European, 0.00034%; no homozygotes.

Submission:

PreventionGenetics, part of Exact Sciences
Classification: Uncertain significance for CDAN1-related condition. Last evaluated: 2024-09-28. Review status: no assertion criteria provided. Collection method: clinical testing. Allele origin: germline.
Comment: The CDAN1 c.3451-10T>G variant is predicted to interfere with splicing. To our knowledge, this variant has not been reported in the literature. This variant is reported in 0.0018% of alleles in individuals of European (Non-Finnish) descent in gnomAD. However, the use of computer prediction programs is not equivalent to functional evidence, and therefore the clinical significance of this variant is uncertain.